The following is an entry in ClinVar:

NM_017780.4(CHD7):c.7411T>C (p.Ser2471Pro)

Gene: CHD7 (chromodomain helicase DNA binding protein 7; plus strand). Cytogenetic location: 8q12.2.
Variant type: single nucleotide variant.
Coding change: c.7411T>C on transcript NM_017780.4 (MANE Select); coding-DNA position 7411, T replaced by C.
Protein change: p.Ser2471Pro; replaces serine 2471 with proline.
Molecular consequence: missense variant. On other transcripts: intron variant (1).
Genome position (GRCh38, 1-based): chr8:60,856,691, T>C. VCF-style: chr8-60856691-T-C. GRCh37 (hg19) VCF-style: chr8-61769250-T-C.
Other names: c.1717-5538T>C (NM_001316690.1); short protein forms S2471P.
Identifiers: ClinVar variation 529113 (VCV000529113.13), dbSNP rs769178123, ClinGen allele CA4760799.

ClinVar aggregate classification (germline): Conflicting classifications of pathogenicity. Review status: criteria provided, conflicting classifications (1 of 4 stars). 4 submissions from 4 submitters: Uncertain significance (2); Likely benign (1). 1 of the submissions does not count toward it. Last evaluated 2025-02-24.

Conditions:
CHARGE syndrome (CHARGE). Also called: Hittner Hirsch Kreh syndrome; Coloboma, heart anomaly, choanal atresia, retardation, genital and ear anomalies; CHARGE association; Hall-Hittner syndrome; CHARGE ASSOCIATION--COLOBOMA, HEART ANOMALY, CHOANAL ATRESIA, RETARDATION, GENITAL AND EAR ANOMALIES. Identifiers: Orphanet 138, MedGen C0265354, MONDO:0008965.
Inborn genetic diseases. Identifiers: MedGen C0950123, MeSH D030342.
Hypogonadotropic hypogonadism 5 with or without anosmia (KAL5). Also called: HYPOGONADOTROPIC HYPOGONADISM 5 WITH ANOSMIA; HYPOGONADOTROPHIC HYPOGONADISM 5 WITHOUT ANOSMIA; CHD7-Related GnRH Deficiency (Kallmann Syndrome 5). Identifiers: Orphanet 478, MedGen C3552553, MONDO:0012880, OMIM 612370. Disease mechanism: loss of function.

Allele frequency attached by ClinVar (database versions not stated): gnomAD 0.00001; gnomAD exomes 0.00001 and 0.00002; ExAC 0.00002; TOPMed 0.00004.
gnomAD v4.1: 23 of 1,613,922 alleles (0.0014%); highest among the groups gnomAD compares: Non-Finnish European, 0.0016%; no homozygotes.

Submissions (4):

Ambry Genetics
Classification: Uncertain significance for Inborn genetic diseases. Last evaluated: 2025-02-24. Review status: criteria provided, single submitter. Criteria: Ambry Variant Classification Scheme 2023. Collection method: clinical testing. Allele origin: germline.

Labcorp Genetics (formerly Invitae), Labcorp
Classification: Likely benign for CHARGE syndrome. Last evaluated: 2025-01-22. Review status: criteria provided, single submitter. Criteria: Invitae Variant Classification Sherloc (09022015). Collection method: clinical testing. Allele origin: germline.

Fulgent Genetics
Classification: Uncertain significance for CHD7-related CHARGE syndrome; Hypogonadotropic hypogonadism 5 with or without anosmia. Last evaluated: 2018-10-31. Review status: criteria provided, single submitter. Criteria: ACMG Guidelines, 2015. Collection method: clinical testing. Allele origin: unknown.

Department of Pathology and Laboratory Medicine, Sinai Health System
Classification: Uncertain significance. Review status: no assertion criteria provided. Collection method: clinical testing. Allele origin: unknown. Affected: yes. Study: The Canadian Open Genetics Repository (COGR). Not counted in ClinVar's aggregate classification.
Comment: The CHD7 p.Ser2471Pro variant was not identified in the literature nor was it identified in LOVD 3.0. The variant was identified in dbSNP (ID: rs769178123) and ClinVar (classified as uncertain significance by Invitae and Fulgent Genetics). The variant was identified in control databases in 4 of 249290 chromosomes at a frequency of 0.00001605 (Genome Aggregation Database March 6, 2019, v2.1.1). The variant was observed in the European (non-Finnish) population in 4 of 113030 chromosomes (freq: 0.000035), but was not observed in the African, Latino, Ashkenazi Jewish, East Asian, European (Finnish), Other, or South Asian populations. The p.Ser2471 residue is not conserved in mammals and computational analyses (PolyPhen-2, SIFT, AlignGVGD, BLOSUM, MutationTaster) provide inconsistent predictions regarding the impact to the protein; this information is not very predictive of pathogenicity. The variant occurs outside of the splicing consensus sequence and three of four in silico or computational prediction software programs (SpliceSiteFinder, MaxEntScan, NNSPLICE, GeneSplicer) do not predict a difference in splicing. In summary, based on the above information the clinical significance of this variant cannot be determined with certainty at this time. This variant is classified as a variant of uncertain significance.